The following is an entry in ClinVar:

ClinVar aggregate classification (germline): Uncertain significance (1 of 4 stars; one submission).

Conditions:
GM1 gangliosidosis. Identifiers: Orphanet 354, MedGen C0085131, MONDO:0018149.
Mucopolysaccharidosis, MPS-IV-B (MPS4B). Also called: MORQUIO SYNDROME B; Mucopolysaccharidosis type IVB (Morquio); MPS IVB; Mucopolysaccharidosis type IV B; Mucopolysaccharidosis Type IVB; Mucopolysaccharidosis type 4B. Identifiers: Orphanet 309310, Orphanet 582, MedGen C0086652, MONDO:0009660, OMIM 253010.

Submission:

Labcorp Genetics (formerly Invitae), Labcorp
Classification: Uncertain significance for Mucopolysaccharidosis, MPS-IV-B; GM1 gangliosidosis. Last evaluated: 2025-07-09. Review status: criteria provided, single submitter. Criteria: Invitae Variant Classification Sherloc (09022015). Collection method: clinical testing. Allele origin: germline.
Comment: This sequence change falls in intron 11 of the GLB1 gene. It does not directly change the encoded amino acid sequence of the GLB1 protein. It affects a nucleotide within the consensus splice site. The frequency data for this variant in the population databases is considered unreliable, as metrics indicate poor data quality at this position in the gnomAD database. This variant has not been reported in the literature in individuals affected with GLB1-related conditions. Variants that disrupt the consensus splice site are a relatively common cause of aberrant splicing (PMID: 17576681, 9536098). Algorithms developed to predict the effect of sequence changes on RNA splicing suggest that this variant is not likely to affect RNA splicing. In summary, the available evidence is currently insufficient to determine the role of this variant in disease. Therefore, it has been classified as a Variant of Uncertain Significance.

Literature cited by the submitters: PubMed 17576681; PubMed 9536098.

NM_000404.4(GLB1):c.1143+5G>A

Gene: GLB1 (galactosidase beta 1; minus strand). Cytogenetic location: 3p22.3.
Variant type: single nucleotide variant.
Coding change: c.1143+5G>A on transcript NM_000404.4 (MANE Select); 5 bases into the intron after coding-DNA position 1143, G replaced by A.
Molecular consequence: intron variant.
Genome position (GRCh38, 1-based): chr3:33,024,246, C>T on the plus strand (G>A on the coding strand, the complement: GLB1 is on the minus strand). VCF-style: chr3-33024246-C-T. GRCh37 (hg19) VCF-style: chr3-33065738-C-T.
Other names: c.1143+5G>A (NM_001393580.1); c.750+5G>A (NM_001135602.3); c.1287+5G>A (NM_001317040.2); c.1053+5G>A (NM_001079811.3).
Identifiers: ClinVar variation 4794273 (VCV004794273.1).